The following is an entry in ClinVar:

NM_001035.3(RYR2):c.12332A>G (p.Asn4111Ser)

Gene: RYR2 (ryanodine receptor 2; plus strand). Cytogenetic location: 1q43.
Variant type: single nucleotide variant.
Coding change: c.12332A>G on transcript NM_001035.3 (MANE Select); coding-DNA position 12332, A replaced by G.
Protein change: p.Asn4111Ser; replaces asparagine 4111 with serine.
Molecular consequence: missense variant.
Genome position (GRCh38, 1-based): chr1:237,784,044, A>G. VCF-style: chr1-237784044-A-G. GRCh37 (hg19) VCF-style: chr1-237947344-A-G.
Other names: short protein forms N4111S.
Identifiers: ClinVar variation 3232381 (VCV003232381.1), dbSNP rs1255252261, ClinGen allele CA345412986.

ClinVar aggregate classification (germline): Uncertain significance (1 of 4 stars; one submission).

Conditions:
Cardiovascular phenotype. Identifiers: MedGen CN230736.

Allele frequency attached by ClinVar (database versions not stated): gnomAD 0.00001; gnomAD exomes 0.00001; TOPMed 0.00001.
gnomAD v4.1: 9 of 1,613,902 alleles (0.00056%); highest among the groups gnomAD compares: Admixed American, 0.0017%; no homozygotes.

Submission:

Ambry Genetics
Classification: Uncertain significance for Cardiovascular phenotype. Last evaluated: 2023-11-22. Review status: criteria provided, single submitter. Criteria: Ambry Variant Classification Scheme 2023. Collection method: clinical testing. Allele origin: germline.
Comment: The p.N4111S variant (also known as c.12332A>G), located in coding exon 90 of the RYR2 gene, results from an A to G substitution at nucleotide position 12332. The asparagine at codon 4111 is replaced by serine, an amino acid with highly similar properties. This amino acid position is not well conserved in available vertebrate species. In addition, the in silico prediction for this alteration is inconclusive. Since supporting evidence is limited at this time, the clinical significance of this alteration remains unclear.